The following is an entry in ClinVar:

ClinVar aggregate classification (germline): Likely pathogenic (1 of 4 stars; one submission).

Conditions:
Medium-chain acyl-coenzyme A dehydrogenase deficiency (ACADMD). Also called: ACADM DEFICIENCY; CARNITINE DEFICIENCY SECONDARY TO MEDIUM-CHAIN ACYL-CoA DEHYDROGENASE DEFICIENCY; Medium chain acyl-CoA dehydrogenase deficiency; MCADH DEFICIENCY; MCADD; MCAD Deficiency. Identifiers: Orphanet 42, MedGen C0220710, MONDO:0008721, OMIM 201450.

Submission:

Natera, Inc.
Classification: Likely pathogenic for Medium Chain Acyl-CoA Dehydrogenase Deficiency. Last evaluated: 2025-09-14. Review status: criteria provided, single submitter. Criteria: Natera Variant Classification Schema (03/2026). Collection method: clinical testing. Allele origin: germline.
Comment: The c.824_829delinsAACTTTGCATTCAAAG variant in ACADM is a frameshift variant predicted to shift the reading frame beginning at codon 275 and leads to a stop codon 7 codons downstream. This variant is expected to result in nonsense mediated decay, truncation, or a dysfunctional protein product. This variant is rare in the general population with a frequency below the threshold expected for the associated phenotype(s). Given the available evidence, this variant is classified as Likely Pathogenic.

NM_000016.6(ACADM):c.824_829delinsAACTTTGCATTCAAAG (p.Gly275fs)

Gene: ACADM (acyl-CoA dehydrogenase medium chain; plus strand). Cytogenetic location: 1p31.1.
Variant type: Indel.
Coding change: c.824_829delinsAACTTTGCATTCAAAG on transcript NM_000016.6 (MANE Select); coding-DNA positions 824 to 829, GAGCTT replaced by AACTTTGCATTCAAAG.
Protein change: p.Gly275fs; shifts the reading frame from glycine 275.
Molecular consequence: frameshift variant.
Genome position (GRCh38, 1-based): chr1:75,749,534-75,749,539, GAGCTT replaced by AACTTTGCATTCAAAG. VCF-style: chr1-75749534-GAGCTT-AACTTTGCATTCAAAG. GRCh37 (hg19) VCF-style: chr1-76215219-GAGCTT-AACTTTGCATTCAAAG.
Other names: c.824_829delGAGCTTinsAACTTTGCATTCAAAG, p.Gly275Glufs (NM_000016.5); c.836_841delinsAACTTTGCATTCAAAG, p.Gly279fs (NM_001127328.3); c.716_721delinsAACTTTGCATTCAAAG, p.Gly239fs (NM_001286042.2); c.923_928delinsAACTTTGCATTCAAAG, p.Gly308fs (NM_001286043.2); c.257_262delinsAACTTTGCATTCAAAG, p.Gly86fs (NM_001286044.2); short protein forms G239fs, G275fs, G279fs, G308fs, G86fs.
Identifiers: ClinVar variation 4816301 (VCV004816301.1).
Genomic context (GRCh38, chr1:75,749,534, plus strand): 5'-TGAAAGTGCCTAAAGAAAATGTTTTAATTGGTGACGGAGCTGGTTTCAAAGTTGCAATGG[GAGCTT>AACTTTGCATTCAAAG]TTGATAAAACCAGACCTGTAGTAAGTAATATGGGTTCATAATCTTTATAGGATCTTTTAT-3'